The following is an entry in ClinVar:

ClinVar aggregate classification (germline): Likely benign. Review status: criteria provided, multiple submitters, no conflicts (2 of 4 stars). 5 submissions from 5 submitters: Likely benign (5). Last evaluated 2026-03-27.

Conditions:
Cardiovascular phenotype. Identifiers: MedGen CN230736.
Episodic pain syndrome, familial, 2 (FEPS2). Identifiers: Orphanet 306577, MedGen C3809893, MONDO:0014246, OMIM 615551.
Brugada syndrome. Also called: Sudden unexplained nocturnal death syndrome; Sudden unexpected nocturnal death syndrome; Sudden Unexplained Death Syndrome; Sudden Unexplained Nocturnal Death Syndrome (SUNDS). Identifiers: Orphanet 130, MedGen C1142166, MONDO:0015263.
SCN10A-related disorder. Also called: SCN10A-related condition.

Allele frequency attached by ClinVar (database versions not stated): gnomAD 0.00003 and 0.00004; gnomAD exomes 0.00004 and 0.00018; TOPMed 0.00008; ExAC 0.00013; 1000 Genomes Project 30x 0.00031; 1000 Genomes Project 0.00040.
gnomAD v4.1: 64 of 1,613,594 alleles (0.004%); highest among the groups gnomAD compares: East Asian, 0.14%; no homozygotes.

Submissions (5):

PreventionGenetics, part of Exact Sciences
Classification: Likely benign for SCN10A-related condition. Last evaluated: 2026-03-27. Review status: criteria provided, single submitter. Criteria: ACMG Guidelines, 2015. Collection method: clinical testing. Allele origin: germline.
Comment: This variant is classified as likely benign based on ACMG/AMP sequence variant interpretation guidelines (Richards et al. 2015 PMID: 25741868, with internal and published modifications).

Labcorp Genetics (formerly Invitae), Labcorp
Classification: Likely benign for Brugada syndrome. Last evaluated: 2025-08-25. Review status: criteria provided, single submitter. Criteria: Invitae Variant Classification Sherloc (09022015). Collection method: clinical testing. Allele origin: germline.

Blueprint Genetics
Classification: Likely benign. Last evaluated: 2023-11-17. Review status: criteria provided, single submitter. Criteria: ACMG Guidelines, 2015. Collection method: clinical testing. Allele origin: germline.

Fulgent Genetics
Classification: Likely benign for Episodic pain syndrome, familial, 2. Last evaluated: 2021-08-31. Review status: criteria provided, single submitter. Criteria: ACMG Guidelines, 2015. Collection method: clinical testing. Allele origin: unknown.

Ambry Genetics
Classification: Likely benign for Cardiovascular phenotype. Last evaluated: 2020-12-23. Review status: criteria provided, single submitter. Criteria: Ambry Variant Classification Scheme 2023. Collection method: clinical testing. Allele origin: germline.

NM_006514.4(SCN10A):c.2324C>T (p.Thr775Ile)

Gene: SCN10A (sodium voltage-gated channel alpha subunit 10; minus strand). Cytogenetic location: 3p22.2.
Variant type: single nucleotide variant.
Coding change: c.2324C>T on transcript NM_006514.4 (MANE Select); coding-DNA position 2324, C replaced by T.
Protein change: p.Thr775Ile; replaces threonine 775 with isoleucine.
Molecular consequence: missense variant.
Genome position (GRCh38, 1-based): chr3:38,728,858, G>A on the plus strand (C>T on the coding strand, the complement: SCN10A is on the minus strand). VCF-style: chr3-38728858-G-A. GRCh37 (hg19) VCF-style: chr3-38770349-G-A.
Other names: c.2324C>T, p.Thr775Ile (NM_001293306.2); c.2030C>T, p.Thr677Ile (NM_001293307.2); c.2324C>T (NM_006514.3); short protein forms T677I, T775I.
Identifiers: ClinVar variation 1153876 (VCV001153876.12), dbSNP rs150501065, ClinGen allele CA2320566.
Genomic context (GRCh38, chr3:38,728,858, plus strand): 5'-GCCAGGATGATGGTGAGGTTCCCCAGTGCCCCCACTGAGTTTCCGATGATCTTGATGAGT[G>A]TGTTTAAGGTGGGCCAGGATTTGGCCAGCTTGAATACGCGCAGCTGCAGAGAAACAGAGA-3'
Protein context (NP_006505.4, residues 765-785): KLAKSWPTLN[Thr775Ile]LIKIIGNSVG